The following is an entry in ClinVar:

ClinVar aggregate classification (germline): Uncertain significance (1 of 4 stars; one submission).

Allele frequency attached by ClinVar (database versions not stated): gnomAD exomes below 0.00001; TOPMed below 0.00001; gnomAD 0.00001.
gnomAD v4.1: 2 of 1,613,766 alleles (0.00012%); highest among the groups gnomAD compares: Non-Finnish European, 0.00017%; no homozygotes.

Submission:

GeneDx
Classification: Uncertain significance. Last evaluated: 2019-11-27. Review status: criteria provided, single submitter. Criteria: GeneDx Variant Classification Process June 2021. Collection method: clinical testing. Allele origin: germline. Affected: yes.
Comment: Not observed at a significant frequency in large population cohorts (Lek et al., 2016); In silico analysis, which includes protein predictors and evolutionary conservation, supports that this variant does not alter protein structure/function; Has not been previously published as pathogenic or benign to our knowledge

NM_001105206.3(LAMA4):c.4513C>T (p.His1505Tyr)

Gene: LAMA4 (laminin subunit alpha 4; minus strand). Cytogenetic location: 6q21.
Variant type: single nucleotide variant.
Coding change: c.4513C>T on transcript NM_001105206.3 (MANE Select); coding-DNA position 4513, C replaced by T.
Protein change: p.His1505Tyr; replaces histidine 1505 with tyrosine.
Molecular consequence: missense variant.
Genome position (GRCh38, 1-based): chr6:112,120,435, G>A on the plus strand (C>T on the coding strand, the complement: LAMA4 is on the minus strand). VCF-style: chr6-112120435-G-A. GRCh37 (hg19) VCF-style: chr6-112441638-G-A.
Other names: c.4492C>T, p.His1498Tyr (NM_001105207.3, NM_002290.5); short protein forms H1498Y, H1505Y.
Identifiers: ClinVar variation 1310838 (VCV001310838.2), dbSNP rs1554325797, ClinGen allele CA365369938.